The following is an entry in ClinVar:

NM_004667.6(HERC2):c.1442C>T (p.Thr481Met)

Gene: HERC2 (HECT and RLD domain containing E3 ubiquitin protein ligase 2; minus strand). Cytogenetic location: 15q13.1.
Variant type: single nucleotide variant.
Coding change: c.1442C>T on transcript NM_004667.6 (MANE Select); coding-DNA position 1442, C replaced by T.
Protein change: p.Thr481Met; replaces threonine 481 with methionine.
Molecular consequence: missense variant.
Genome position (GRCh38, 1-based): chr15:28,269,252, G>A on the plus strand (C>T on the coding strand, the complement: HERC2 is on the minus strand). VCF-style: chr15-28269252-G-A. GRCh37 (hg19) VCF-style: chr15-28514398-G-A.
Other names: c.1442C>T (NM_004667.4, NM_004667.5); short protein forms T481M.
Identifiers: ClinVar variation 803062 (VCV000803062.26), dbSNP rs200457382, ClinGen allele CA7443463.

ClinVar aggregate classification (germline): Conflicting classifications of pathogenicity. Review status: criteria provided, conflicting classifications (1 of 4 stars). 4 submissions from 4 submitters: Likely pathogenic (1); Uncertain significance (3). Last evaluated 2026-03-17.

Conditions:
Inborn genetic diseases. Identifiers: MedGen C0950123, MeSH D030342.
Developmental delay with autism spectrum disorder and gait instability (MRT38). Also called: Intellectual developmental disorder, autosomal recessive 38. Identifiers: Orphanet 329195, MedGen C3809753, MONDO:0014224, OMIM 615516.

Allele frequency attached by ClinVar (database versions not stated): gnomAD exomes 0.00002; ExAC 0.00003; gnomAD 0.00007 and 0.00009; ESP Exome Variant Server 0.00008; TOPMed 0.00008; 1000 Genomes Project 30x 0.00016; 1000 Genomes Project 0.00020.
gnomAD v4.1: 29 of 1,612,826 alleles (0.0018%); highest among the groups gnomAD compares: African/African-American, 0.017%; no homozygotes.

Submissions (4):

GeneDx
Classification: Uncertain significance. Last evaluated: 2026-03-17. Review status: criteria provided, single submitter. Criteria: GeneDx Variant Classification Process June 2021. Collection method: clinical testing. Allele origin: germline.
Comment: In silico analysis supports that this missense variant has a deleterious effect on protein structure/function; Has not been previously published as pathogenic or benign to our knowledge

Ambry Genetics
Classification: Uncertain significance for Inborn genetic diseases. Last evaluated: 2025-10-18. Review status: criteria provided, single submitter. Criteria: Ambry Variant Classification Scheme 2023. Collection method: clinical testing. Allele origin: germline.

CeGaT Center for Human Genetics Tuebingen
Classification: Uncertain significance. Last evaluated: 2022-07-01. Review status: criteria provided, single submitter. Criteria: CeGaT Center For Human Genetics Tuebingen Variant Classification Criteria Version 2. Collection method: clinical testing. Allele origin: germline. Affected: yes. Observed: 1 variant allele.
Comment: HERC2: PP2, BP4

Mendelics
Classification: Likely pathogenic for Developmental delay with autism spectrum disorder and gait instability. Last evaluated: 2019-05-28. Review status: criteria provided, single submitter. Criteria: Mendelics Assertion Criteria 2017. Collection method: clinical testing. Allele origin: unknown.